The following is an entry in ClinVar:

NM_001009944.3(PKD1):c.19G>A (p.Ala7Thr)

Gene: PKD1 (polycystin 1, transient receptor potential channel interacting; minus strand). Cytogenetic location: 16p13.3.
Variant type: single nucleotide variant.
Coding change: c.19G>A on transcript NM_001009944.3 (MANE Select); coding-DNA position 19, G replaced by A.
Protein change: p.Ala7Thr; replaces alanine 7 with threonine.
Molecular consequence: missense variant.
Genome position (GRCh38, 1-based): chr16:2,135,671, C>T on the plus strand (G>A on the coding strand, the complement: PKD1 is on the minus strand). VCF-style: chr16-2135671-C-T. GRCh37 (hg19) VCF-style: chr16-2185672-C-T.
Other names: c.19G>A, p.Ala7Thr (NM_000296.4); short protein forms A7T.
Identifiers: ClinVar variation 1722973 (VCV001722973.2), dbSNP rs1401224165, ClinGen allele CA394283245.
Genomic context (GRCh38, chr16:2,135,671, plus strand): 5'-CGGGGCCCCCCGCCAGCGCCCCGAGCCACAGGCCCAGGCCCAGGGCCAGCGCCAGGCGGG[C>T]GGGCGCGGCGGGCGGCATCGTTAGGGCAGCGCGCGCATGGCCCCGCCGTCCCCAGGCCCG-3'
Protein context (NP_001009944.3, residues 1-17): MPPAAP[Ala7Thr]RLALALGLGL

ClinVar aggregate classification (germline): Uncertain significance (1 of 4 stars; one submission).

Allele frequency attached by ClinVar (database versions not stated): gnomAD 0.00001.

Submission:

GeneDx
Classification: Uncertain significance. Last evaluated: 2022-05-03. Review status: criteria provided, single submitter. Criteria: GeneDx Variant Classification Process June 2021. Collection method: clinical testing. Allele origin: germline. Affected: yes.
Comment: Not observed at significant frequency in large population cohorts (gnomAD); In silico analysis supports that this missense variant does not alter protein structure/function; Has not been previously published as pathogenic or benign to our knowledge